The following is an entry in ClinVar:

NM_001330260.2(SCN8A):c.4219C>T (p.Leu1407Phe)

Gene: SCN8A (sodium voltage-gated channel alpha subunit 8; plus strand). Cytogenetic location: 12q13.13.
Variant type: single nucleotide variant.
Coding change: c.4219C>T on transcript NM_001330260.2 (MANE Select); coding-DNA position 4219, C replaced by T.
Protein change: p.Leu1407Phe; replaces leucine 1407 with phenylalanine.
Molecular consequence: missense variant.
Genome position (GRCh38, 1-based): chr12:51,786,818, C>T. VCF-style: chr12-51786818-C-T. GRCh37 (hg19) VCF-style: chr12-52180602-C-T.
Other names: c.4096C>T, p.Leu1366Phe (NM_001177984.3, NM_001369788.1); c.4219C>T, p.Leu1407Phe (NM_014191.4); short protein forms L1407F, L1366F.
Identifiers: ClinVar variation 1490281 (VCV001490281.9), dbSNP rs2138904598, ClinGen allele CA384906808.
Genomic context (GRCh38, chr12:51,786,818, plus strand): 5'-ATCAGATGGAAGAACGTGAAGATCAACTTTGACAATGTTGGGGCAGGATACCTGGCCCTT[C>T]TTCAAGTAGTAAGTAGTGTTTTTGTTTTTGTTTTTTCAGTTCTGTGAAATTCAGGCAGCT-3'
Protein context (NP_001317189.1, residues 1397-1417): DNVGAGYLAL[Leu1407Phe]QVATFKGWMD

ClinVar aggregate classification (germline): Conflicting classifications of pathogenicity. Review status: criteria provided, conflicting classifications (1 of 4 stars). 2 submissions from 2 submitters: Likely pathogenic (1); Uncertain significance (1). Last evaluated 2023-03-14.

Conditions:
Developmental and epileptic encephalopathy, 13 (DEE13). Also called: Early infantile epileptic encephalopathy 13; Developmental and Epileptic Encephalopathy (SCN8A-DEE); SCN8A-Related Epilepsy. Identifiers: Orphanet 442835, MedGen C3281191, MONDO:0013801, OMIM 614558.
Early-infantile DEE. Also called: Early infantile epileptic encephalopathy; Ohtahara syndrome; Early infantile epileptic encephalopathy with suppression bursts. Identifiers: Orphanet 1934, MedGen C0393706, MONDO:0800491.

Submissions (2):

Laboratory of Medical Genetics, National & Kapodistrian University of Athens
Classification: Likely pathogenic for Developmental and epileptic encephalopathy, 13. Last evaluated: 2023-03-14. Review status: criteria provided, single submitter. Criteria: ACMG Guidelines, 2015. Collection method: clinical testing. Allele origin: germline. Affected: yes.
Comment: PP3, PM2, PS2

Labcorp Genetics (formerly Invitae), Labcorp
Classification: Uncertain significance for Early-infantile DEE. Last evaluated: 2020-12-02. Review status: criteria provided, single submitter. Criteria: Invitae Variant Classification Sherloc (09022015). Collection method: clinical testing. Allele origin: germline.
Comment: This sequence change replaces leucine with phenylalanine at codon 1407 of the SCN8A protein (p.Leu1407Phe). The leucine residue is highly conserved and there is a small physicochemical difference between leucine and phenylalanine. This variant is not present in population databases (ExAC no frequency). This variant has not been reported in the literature in individuals with SCN8A-related conditions. Algorithms developed to predict the effect of missense changes on protein structure and function are either unavailable or do not agree on the potential impact of this missense change (SIFT: "Deleterious"; PolyPhen-2: "Probably Damaging"; Align-GVGD: "Class C0"). In summary, the available evidence is currently insufficient to determine the role of this variant in disease. Therefore, it has been classified as a Variant of Uncertain Significance.